The following is an entry in ClinVar:

ClinVar aggregate classification (germline): Pathogenic. Review status: criteria provided, multiple submitters, no conflicts (2 of 4 stars). 3 submissions from 3 submitters: Pathogenic (3). Last evaluated 2026-06-18.

Conditions:
Familial cancer of breast. Also called: BREAST CANCER, FAMILIAL; hereditary breast carcinoma; Hereditary breast cancer. Identifiers: Orphanet 227535, MedGen C0346153, MONDO:0016419, OMIM 114480. Disease mechanism: loss of function.
Hereditary cancer-predisposing syndrome. Also called: Hereditary neoplastic syndrome; Hereditary Cancer Syndrome; Neoplastic Syndromes, Hereditary; Tumor predisposition. Identifiers: Orphanet 140162, MedGen C0027672, MeSH D009386, MONDO:0015356.

Submissions (3):

Ambry Genetics
Classification: Pathogenic for Hereditary cancer-predisposing syndrome. Last evaluated: 2026-06-18. Review status: criteria provided, single submitter. Criteria: Ambry Variant Classification Scheme 2023. Collection method: clinical testing. Allele origin: germline.
Comment: The p.W462* pathogenic mutation (also known as c.1386G>A), located in coding exon 5 of the BARD1 gene, results from a G to A substitution at nucleotide position 1386. This changes the amino acid from a tryptophan to a stop codon within coding exon 5. This variant is considered to be rare based on population cohorts in the Genome Aggregation Database (gnomAD). This alteration is expected to result in loss of function by premature protein truncation or nonsense-mediated mRNA decay. As such, this alteration is interpreted as a disease-causing mutation.

Labcorp Genetics (formerly Invitae), Labcorp
Classification: Pathogenic for Familial cancer of breast. Last evaluated: 2025-04-20. Review status: criteria provided, single submitter. Criteria: Invitae Variant Classification Sherloc (09022015). Collection method: clinical testing. Allele origin: germline.
Comment: This sequence change creates a premature translational stop signal (p.Trp462*) in the BARD1 gene. It is expected to result in an absent or disrupted protein product. Loss-of-function variants in BARD1 are known to be pathogenic (PMID: 20077502, 21344236). This variant is not present in population databases (gnomAD no frequency). This premature translational stop signal has been observed in individual(s) with breast cancer (PMID: 32427313). ClinVar contains an entry for this variant (Variation ID: 2584201). For these reasons, this variant has been classified as Pathogenic.

Myriad Genetics, Inc.
Classification: Pathogenic for Familial cancer of breast. Last evaluated: 2023-05-23. Review status: criteria provided, single submitter. Criteria: Myriad Autosomal Dominant, Autosomal Recessive and X-Linked Classification Criteria (2023). Collection method: clinical testing. Allele origin: unknown.
Comment: This variant is considered pathogenic. This variant creates a termination codon and is predicted to result in premature protein truncation.

Literature cited by the submitters: PubMed 20077502 (cited by Labcorp Genetics (formerly Invitae), Labcorp); PubMed 21344236 (cited by Labcorp Genetics (formerly Invitae), Labcorp); PubMed 32427313 (cited by Labcorp Genetics (formerly Invitae), Labcorp).

NM_000465.4(BARD1):c.1386G>A (p.Trp462Ter)

Gene: BARD1 (BRCA1 associated RING domain 1; minus strand). Cytogenetic location: 2q35.
Variant type: single nucleotide variant.
Coding change: c.1386G>A on transcript NM_000465.4 (MANE Select); coding-DNA position 1386, G replaced by A.
Protein change: p.Trp462Ter; replaces tryptophan 462 with a stop codon.
Molecular consequence: nonsense. On other transcripts: non-coding transcript variant (3), intron variant (3).
Genome position (GRCh38, 1-based): chr2:214,769,241, C>T on the plus strand (G>A on the coding strand, the complement: BARD1 is on the minus strand). VCF-style: chr2-214769241-C-T. GRCh37 (hg19) VCF-style: chr2-215633965-C-T.
Other names: c.1329G>A, p.Trp443Ter (NM_001282543.2); c.159-16686G>A (NM_001282548.2); c.216-16686G>A (NM_001282545.2); c.364+23056G>A (NM_001282549.2); c.1386G>A (NM_000465.2); short protein forms W443*, W462*.
Identifiers: ClinVar variation 2584201 (VCV002584201.4), dbSNP rs2469454035, ClinGen allele CA350450116.